The following is an entry in ClinVar:

NM_144670.6(A2ML1):c.1313C>A (p.Ala438Asp)

Gene: A2ML1 (alpha-2-macroglobulin like 1; plus strand). Cytogenetic location: 12p13.31.
Variant type: single nucleotide variant.
Coding change: c.1313C>A on transcript NM_144670.6 (MANE Select); coding-DNA position 1313, C replaced by A.
Protein change: p.Ala438Asp; replaces alanine 438 with aspartic acid.
Molecular consequence: missense variant.
Genome position (GRCh38, 1-based): chr12:8,843,198, C>A. VCF-style: chr12-8843198-C-A. GRCh37 (hg19) VCF-style: chr12-8995794-C-A.
Other names: c.1313C>A (NM_144670.3); short protein forms A438D.
Identifiers: ClinVar variation 1415158 (VCV001415158.9), dbSNP rs778105594, ClinGen allele CA6435619.
Genomic context (GRCh38, chr12:8,843,198, plus strand): 5'-AGTTTCAAATGGAAGACTTAGTATATAATCCGGAACAAGTGCCACGTTACTACCAAAATG[C>A]CTACCTGCACCTGCGACCCTTCTACAGCACAACCCGCAGCTTCCTTGGCATCCACCGGCT-3'
Protein context (NP_653271.3, residues 428-448): PEQVPRYYQN[Ala438Asp]YLHLRPFYST

ClinVar aggregate classification (germline): Uncertain significance. Review status: criteria provided, multiple submitters, no conflicts (2 of 4 stars). 2 submissions from 2 submitters: Uncertain significance (2). Last evaluated 2025-08-25.

Allele frequency attached by ClinVar (database versions not stated): TOPMed below 0.00001.
gnomAD v4.1: 16 of 1,614,162 alleles (0.00099%); highest among the groups gnomAD compares: Admixed American, 0.0017%; no homozygotes.

Submissions (2):

Ambry Genetics
Classification: Uncertain significance. Last evaluated: 2025-08-25. Review status: criteria provided, single submitter. Criteria: Ambry Variant Classification Scheme 2023. Collection method: clinical testing. Allele origin: germline.

Labcorp Genetics (formerly Invitae), Labcorp
Classification: Uncertain significance. Last evaluated: 2021-06-12. Review status: criteria provided, single submitter. Criteria: Invitae Variant Classification Sherloc (09022015). Collection method: clinical testing. Allele origin: germline.
Comment: This sequence change replaces alanine with aspartic acid at codon 438 of the A2ML1 protein (p.Ala438Asp). The alanine residue is moderately conserved and there is a moderate physicochemical difference between alanine and aspartic acid. This variant is present in population databases (rs778105594, ExAC 0.001%). This variant has not been reported in the literature in individuals with A2ML1-related conditions. Algorithms developed to predict the effect of missense changes on protein structure and function output the following: SIFT: "Tolerated"; PolyPhen-2: "Benign"; Align-GVGD: "Class C0". The aspartic acid amino acid residue is found in multiple mammalian species, suggesting that this missense change does not adversely affect protein function. These predictions have not been confirmed by published functional studies and their clinical significance is uncertain. In summary, the available evidence is currently insufficient to determine the role of this variant in disease. Therefore, it has been classified as a Variant of Uncertain Significance.